The following is an entry in ClinVar:

NM_001243279.3(ACSF3):c.1447A>G (p.Lys483Glu)

Gene: ACSF3 (acyl-CoA synthetase family member 3; plus strand). Cytogenetic location: 16q24.3.
Variant type: single nucleotide variant.
Coding change: c.1447A>G on transcript NM_001243279.3 (MANE Select); coding-DNA position 1447, A replaced by G.
Protein change: p.Lys483Glu; replaces lysine 483 with glutamic acid.
Molecular consequence: missense variant. On other transcripts: non-coding transcript variant (4).
Genome position (GRCh38, 1-based): chr16:89,145,347, A>G. VCF-style: chr16-89145347-A-G. GRCh37 (hg19) VCF-style: chr16-89211755-A-G.
Other names: c.1447A>G, p.Lys483Glu (NM_001127214.4, NM_174917.5); c.652A>G, p.Lys218Glu (NM_001284316.2); short protein forms K218E, K483E.
Identifiers: ClinVar variation 3375197 (VCV003375197.1).

ClinVar aggregate classification (germline): Uncertain significance (1 of 4 stars; one submission).

Submission:

Women's Health and Genetics/Laboratory Corporation of America, LabCorp
Classification: Uncertain significance. Last evaluated: 2024-09-25. Review status: criteria provided, single submitter. Criteria: LabCorp Variant Classification Summary - May 2015. Collection method: clinical testing. Allele origin: germline.
Comment: Variant summary: ACSF3 c.1447A>G (p.Lys483Glu) results in a conservative amino acid change in the encoded protein sequence. Three of five in-silico tools predict a damaging effect of the variant on protein function. The variant was absent in 251206 control chromosomes. These data indicate that the variant may be associated with a mild CMAMMA disease course. To our knowledge, no experimental evidence demonstrating an impact on protein function has been reported. The following publication has been ascertained in the context of this evaluation (PMID: 34900860). No submitters have cited clinical-significance assessments for this variant to ClinVar. Based on the evidence outlined above, the variant was classified as VUS-possibly pathogenic.

Literature cited by the submitters: PubMed 34900860.